The following is an entry in ClinVar:

ClinVar aggregate classification (germline): Uncertain significance. Review status: criteria provided, multiple submitters, no conflicts (2 of 4 stars). 2 submissions from 2 submitters: Uncertain significance (2). Last evaluated 2026-03-02.

Conditions:
Rhabdoid tumor predisposition syndrome 2 (RTPS2). Identifiers: Orphanet 231108, Orphanet 69077, MedGen C2750074, MONDO:0013224, OMIM 613325.
Hereditary cancer-predisposing syndrome. Also called: Tumor predisposition; Hereditary neoplastic syndrome; Hereditary Cancer Syndrome; Neoplastic Syndromes, Hereditary. Identifiers: Orphanet 140162, MedGen C0027672, MeSH D009386, MONDO:0015356.

Submissions (2):

Ambry Genetics
Classification: Uncertain significance for Hereditary cancer-predisposing syndrome. Last evaluated: 2026-03-02. Review status: criteria provided, single submitter. Criteria: Ambry Variant Classification Scheme 2023. Collection method: clinical testing. Allele origin: germline.
Comment: The p.S937N variant (also known as c.2810G>A), located in coding exon 18 of the SMARCA4 gene, results from a G to A substitution at nucleotide position 2810. The serine at codon 937 is replaced by asparagine, an amino acid with highly similar properties. This amino acid position is conserved. In addition, this alteration is predicted to be tolerated by in silico analysis. Based on the available evidence, the clinical significance of this variant remains unclear.

Labcorp Genetics (formerly Invitae), Labcorp
Classification: Uncertain significance for Rhabdoid tumor predisposition syndrome 2. Last evaluated: 2019-04-20. Review status: criteria provided, single submitter. Criteria: Invitae Variant Classification Sherloc (09022015). Collection method: clinical testing. Allele origin: germline.
Comment: In summary, the available evidence is currently insufficient to determine the role of this variant in disease. Therefore, it has been classified as a Variant of Uncertain Significance. Algorithms developed to predict the effect of missense changes on protein structure and function are either unavailable or do not agree on the potential impact of this missense change (SIFT: "Deleterious"; PolyPhen-2: "Benign"; Align-GVGD: "Class C45"). This sequence change replaces serine with asparagine at codon 937 of the SMARCA4 protein (p.Ser937Asn). The serine residue is highly conserved and there is a small physicochemical difference between serine and asparagine. This variant is not present in population databases (ExAC no frequency). This variant has not been reported in the literature in individuals with SMARCA4-related conditions.

NM_003072.5(SMARCA4):c.2810G>A (p.Ser937Asn)

Gene: SMARCA4 (SWI/SNF related BAF chromatin remodeling complex subunit ATPase 4; plus strand). Cytogenetic location: 19p13.2.
Variant type: single nucleotide variant.
Coding change: c.2810G>A on transcript NM_003072.5 (MANE Select); coding-DNA position 2810, G replaced by A.
Protein change: p.Ser937Asn; replaces serine 937 with asparagine.
Molecular consequence: missense variant. On other transcripts: non-coding transcript variant (1).
Genome position (GRCh38, 1-based): chr19:11,021,918, G>A. VCF-style: chr19-11021918-G-A. GRCh37 (hg19) VCF-style: chr19-11132594-G-A.
Other names: c.2810G>A, p.Ser937Asn (NM_001128844.3, NM_001128845.2, NM_001128846.2 and 4 more transcripts); short protein forms S937N.
Identifiers: ClinVar variation 947341 (VCV000947341.10), dbSNP rs981910345, ClinGen allele CA305274139.
Genomic context (GRCh38, chr19:11,021,918, plus strand): 5'-AGCTTCCCGAGCTCTGGGCGCTGCTCAACTTCCTGCTGCCCACCATCTTCAAGAGCTGCA[G>A]CACCTTCGAGCAGTGGTTTAACGCACCCTTTGCCATGACCGGGGAAAAGGTGGGTTTGCC-3'
Protein context (NP_003063.2, residues 927-947): FLLPTIFKSC[Ser937Asn]TFEQWFNAPF